The following is an entry in ClinVar:

ClinVar aggregate classification (germline): Likely pathogenic. Review status: criteria provided, multiple submitters, no conflicts (2 of 4 stars). 2 submissions from 2 submitters: Likely pathogenic (2). Last evaluated 2026-08-06.

Conditions:
Neurodevelopmental disorder with dysmorphic facies, impaired speech, and hypotonia. Identifiers: MedGen C5436585, MONDO:0033562, OMIM 619005.

Submissions (2):

OLLIN Analises Genomicas, OLLIN
Classification: Likely pathogenic for Neurodevelopmental disorder with dysmorphic facies, impaired speech, and hypotonia. Last evaluated: 2026-08-06. Review status: criteria provided, single submitter. Criteria: ACMG Guidelines 2015 PMID 25741868. Collection method: clinical testing. Allele origin: germline. Inheritance: Autosomal recessive inheritance.
Comment: This frameshift variant, located in exon 5 (of 37), has been observed in gnomAD with an allele frequency of 0.000062%, but has not been reported in ClinVar or identified in the literature. This variant causes a frameshift and introduces a premature stop codon, which is predicted to result in either a truncated protein or degradation of the mRNA via nonsense-mediated decay (NMD). According to the currently available evidence, this variant has been classified as likely pathogenic (PVS1, PM2_P).

Dasa
Classification: Likely pathogenic. Last evaluated: 2025-07-31. Review status: criteria provided, single submitter. Criteria: DASA Assertion Criteria. Collection method: clinical testing. Allele origin: germline.
Comment: NM_001376571.1(MADD):c.1041_1042del (p.Met349Valfs*43) is a frameshift variant in MADD predicted to alter the reading frame and introduce a premature termination codon and is predicted to result in an absent or altered protein product. Loss of function is an established disease mechanism for MADD-associated disorders. Also, this variant is rare in population databases. Based on the currently available evidence, this variant is classified as likely pathogenic.

NM_001376571.1(MADD):c.1041_1042del (p.Met349fs)

Gene: MADD (MAP kinase activating death domain; plus strand). Cytogenetic location: 11p11.2.
Variant type: Deletion.
Coding change: c.1041_1042del on transcript NM_001376571.1 (MANE Select); coding-DNA positions 1041 to 1042, 2 bases deleted (GT; older notation c.1041_1042delGT).
Protein change: p.Met349fs; shifts the reading frame from methionine 349.
Molecular consequence: frameshift variant. On other transcripts: non-coding transcript variant (8).
Genome position (GRCh38, 1-based): chr11:47,276,809-47,276,810, GT deleted. VCF-style (leftmost placement, unchanged base first): chr11-47276808-AGT-A. GRCh37 (hg19) VCF-style: chr11-47298359-AGT-A.
Other names: c.1041_1042del, p.Met349fs (NM_001376640.1, NM_001376641.1, NM_001376642.1 and 80 more transcripts); c.837_838del, p.Met281fs (NM_001376644.1, NM_001376646.1, NM_001376647.1 and 9 more transcripts); c.375_376del, p.Met127fs (NM_001376663.1); short protein forms M127fs, M281fs, M349fs.
Identifiers: ClinVar variation 4856842 (VCV004856842.3).
Genomic context (GRCh38, chr11:47,276,808, plus strand): 5'-GAGACTACAATGCACTCTCCATGTCTGTGATGGCATTCGTGGCAATGATCTACCCACTGG[AGT>A]ATATGTTTCCTGTCATCCCGCTGCTACCCACCTGCATGGCATCAGCAGAGCAGGTGAGTC-3'